The following is an entry in ClinVar:

ClinVar aggregate classification (germline): Pathogenic. Review status: criteria provided, multiple submitters, no conflicts (2 of 4 stars). 2 submissions from 2 submitters: Pathogenic (2). Last evaluated 2025-10-01.

Conditions:
Hereditary cancer-predisposing syndrome. Also called: Tumor predisposition; Hereditary neoplastic syndrome; Neoplastic Syndromes, Hereditary; Hereditary Cancer Syndrome. Identifiers: Orphanet 140162, MedGen C0027672, MeSH D009386, MONDO:0015356.

Submissions (2):

Labcorp Genetics (formerly Invitae), Labcorp
Classification: Pathogenic. Last evaluated: 2025-10-01. Review status: criteria provided, single submitter. Criteria: Invitae Variant Classification Sherloc (09022015). Collection method: clinical testing. Allele origin: germline.
Comment: This variant, c.1176_1181del, results in the deletion of 2 amino acid(s) of the FH protein (p.Ala393_Val394del), but otherwise preserves the integrity of the reading frame. This variant is not present in population databases (gnomAD no frequency). This variant has been observed in individual(s) with clinical features of hereditary leiomyomatosis and renal cell cancer (PMID: 15761418; internal data). This variant is also known as 1176del6. ClinVar contains an entry for this variant (Variation ID: 1011241). This variant disrupts a region of the FH protein in which other variant(s) (p.Ala393Pro) have been determined to be pathogenic (internal data). This suggests that this is a clinically significant region of the protein, and that variants that disrupt it are likely to be disease-causing. For these reasons, this variant has been classified as Pathogenic.

Ambry Genetics
Classification: Pathogenic for Hereditary cancer-predisposing syndrome. Last evaluated: 2025-05-30. Review status: criteria provided, single submitter. Criteria: Ambry Variant Classification Scheme 2023. Collection method: clinical testing. Allele origin: germline.
Comment: The c.1176_1181delTGCTGT pathogenic mutation (also known as p.A393_V394del) is located in coding exon 8 of the FH gene. This variant results from an in-frame TGCTGT deletion at nucleotide positions 1176 to 1181. This results in the in-frame deletion of 2 amino acids (AV) at codons 393 and 394. This variant has been observed in multiple individuals with a personal and/or family history that is consistent with hereditary leiomyomatosis and renal cell cancer (Chuang GS et al. J Am Acad Dermatol, 2005 Mar;52:410-6; Uzianbaeva L et al. CRSLS, 2025 Apr;12:; Ambry internal data). Based on internal structural analysis, p.A393_V394del is more disruptive to the FH central domain than several nearby pathogenic variants (Ambry internal data). These amino acid positions are highly conserved in available vertebrate species. In addition, this alteration is predicted to be deleterious by in silico analysis (Choi Y et al. PLoS ONE. 2012; 7(10):e46688). Based on the supporting evidence, this variant is interpreted as a disease-causing mutation.

Literature cited by the submitters: PubMed 15761418 (cited by Labcorp Genetics (formerly Invitae), Labcorp and Ambry Genetics); PubMed 40321900 (cited by Ambry Genetics).

NM_000143.4(FH):c.1176_1181del (p.Ala393_Val394del)

Gene: FH (fumarate hydratase; minus strand). Cytogenetic location: 1q43.
Variant type: Deletion.
Coding change: c.1176_1181del on transcript NM_000143.4 (MANE Select); coding-DNA positions 1176 to 1181, 6 bases deleted (TGCTGT; older notation c.1176_1181delTGCTGT).
Protein change: p.Ala393_Val394del.
Molecular consequence: inframe deletion.
Genome position (GRCh38, 1-based): chr1:241,502,498-241,502,503, ACAGCA deleted on the plus strand (TGCTGT on the coding strand, the reverse complement: FH is on the minus strand); deleting any 6 consecutive bases within chr1:241,502,498-241,502,506 gives the same sequence; the c. name uses the placement nearest the transcript's 3' end. VCF-style (leftmost placement, unchanged base first): chr1-241502497-GACAGCA-G. GRCh37 (hg19) VCF-style: chr1-241665797-GACAGCA-G.
Other names: c.1176_1181delTGCTGT (NM_000143.3).
Identifiers: ClinVar variation 1011241 (VCV001011241.11), dbSNP rs1659806431, ClinGen allele CA1229578142.